The following is an entry in ClinVar:

ClinVar aggregate classification (germline): Pathogenic (3 of 4 stars; one submission).

Conditions:
RPGR-related retinopathy. Also called: RPGR retinopathy. Identifiers: MedGen CN305589, MONDO:0100437.

Submission:

ClinGen X-linked Inherited Retinal Disease Variant Curation Expert Panel, ClinGen
Classification: Pathogenic for RPGR-related retinopathy. Last evaluated: 2025-09-05. Review status: reviewed by expert panel. Criteria: ClinGen X LinkedIRD ACMG Specifications RPGR V1.0.0. Collection method: curation. Allele origin: germline. Inheritance: X-linked inheritance.
Comment: NM_001034853.2(RPGR):c.2933_2937del (p.Glu978GlyfsTer?) is a frameshift variant due to a five-nucleotide deletion introducing a premature stop codon within exon 15 of 15 that is predicted to disrupt a critical C-terminal region required for proper glutamylation of RPGR (PVS1, PMID: 36445968). This variant is absent from gnomAD v4.1.0 (PM2_Supporting). At least one proband harboring this variant exhibits a phenotype including presentation with night blindness (0.5 pts) with onset at age 3 years (1 pt), family history consistent with X-linked inheritance, reduced visual acuity (0.5 pts), diminished electroretinogram responses from rods, fundus appearance showing widespread retinal pigment epithelium degeneration with peripheral pigment deposits (0.5 pts), mild macular degeneration, and genotyping by next-generation sequencing with a 483-gene panel showing no alternative basis for inherited retinal disease (2 pts), which together are specific for RPGR-related retinopathy (4.5 points, PMID: 36276946, PP4). In summary, this variant is classified as pathogenic for RPGR-related retinopathy based on the ClinGen X-linked Inherited Retinal Disease Expert Panel Specifications to the ACMG/AMP Variant Interpretation Guidelines for RPGR Version 1.0.0; PVS1, PM2_Supporting, and PP4.

NM_001034853.2(RPGR):c.2933_2937del (p.Glu978fs)

Gene: RPGR (retinitis pigmentosa GTPase regulator; minus strand). Cytogenetic location: Xp11.4.
Variant type: Deletion.
Coding change: c.2933_2937del on transcript NM_001034853.2 (MANE Select); coding-DNA positions 2933 to 2937, 5 bases deleted (AAGGG; older notation c.2933_2937delAAGGG).
Protein change: p.Glu978fs; shifts the reading frame from glutamic acid 978.
Molecular consequence: frameshift variant. On other transcripts: intron variant (8).
Genome position (GRCh38, 1-based): chrX:38,286,062-38,286,066, CCCTT deleted on the plus strand (AAGGG on the coding strand, the reverse complement: RPGR is on the minus strand); deleting any 5 consecutive bases within chrX:38,286,062-38,286,067 gives the same sequence; the c. name uses the placement nearest the transcript's 3' end. VCF-style (leftmost placement, unchanged base first): chrX-38286061-CCCCTT-C. GRCh37 (hg19) VCF-style: chrX-38145314-CCCCTT-C.
Other names: NM_001034853.2:c.2933_2937del; c.1569+4893_1569+4897del (NM_001367249.1, NM_001367250.1); c.1902+1028_1902+1032del (NM_001367245.1); c.1386+4893_1386+4897del (NM_001367251.1); c.1719+1028_1719+1032del (NM_001367246.1); c.1572+4893_1572+4897del (NM_001367247.1); c.1905+1028_1905+1032del (NM_000328.3); c.1602+4893_1602+4897del (NM_001367248.1); short protein forms E978fs.
Identifiers: ClinVar variation 4082173 (VCV004082173.1).